The following is an entry in ClinVar:

NM_000388.4(CASR):c.2147G>A (p.Arg716His)

Gene: CASR (calcium sensing receptor; plus strand). Cytogenetic location: 3q21.1.
Variant type: single nucleotide variant.
Coding change: c.2147G>A on transcript NM_000388.4 (MANE Select); coding-DNA position 2147, G replaced by A.
Protein change: p.Arg716His; replaces arginine 716 with histidine.
Molecular consequence: missense variant.
Genome position (GRCh38, 1-based): chr3:122,284,101, G>A. VCF-style: chr3-122284101-G-A. GRCh37 (hg19) VCF-style: chr3-122002948-G-A.
Other names: p.Arg716His; c.2177G>A, p.Arg726His (NM_001178065.2); short protein forms R716H, R726H.
Identifiers: ClinVar variation 410351 (VCV000410351.21), dbSNP rs201670662, ClinGen allele CA2569787.

ClinVar aggregate classification (germline): Conflicting classifications of pathogenicity. Review status: criteria provided, conflicting classifications (1 of 4 stars). 10 submissions from 7 submitters: Uncertain significance (9); Likely benign (1). Last evaluated 2026-05-08.

Conditions:
Nephrolithiasis/nephrocalcinosis. Identifiers: MedGen CN580796.
Autosomal dominant hypocalcemia 1 (HYPOC1). Also called: HYPOCALCEMIA, FAMILIAL. Identifiers: MedGen C3715128, MONDO:0011013, OMIM 601198.
Familial hypocalciuric hypercalcemia (FHH). Also called: Familial benign hypercalcemia. Identifiers: Orphanet 405, MedGen C1809471, MONDO:0018458.
Epilepsy, idiopathic generalized, susceptibility to, 8. Identifiers: MedGen C2752062, MONDO:0013032, OMIM 612899.
Neonatal severe primary hyperparathyroidism. Identifiers: Orphanet 417, MedGen C1832615, MONDO:0009397, OMIM 239200.
Familial hypocalciuric hypercalcemia 1. Also called: Hypercalcemia, familial benign type 1. Identifiers: Orphanet 405, Orphanet 93372, MedGen C0342637, MONDO:0007791, OMIM 145980.
Familial hypoparathyroidism. Also called: Familial isolated hypoparathyroidism. Identifiers: Orphanet 2238, MedGen C1832648, MONDO:0016390.

Allele frequency attached by ClinVar (database versions not stated): gnomAD 0.00001; ExAC 0.00002; gnomAD exomes 0.00002; TOPMed 0.00002; ESP Exome Variant Server 0.00008.
gnomAD v4.1: 29 of 1,613,942 alleles (0.0018%); highest among the groups gnomAD compares: Admixed American, 0.005%; no homozygotes.

Submissions (10):

Women's Health and Genetics/Laboratory Corporation of America, LabCorp
Classification: Uncertain significance. Last evaluated: 2026-05-08. Review status: criteria provided, single submitter. Criteria: LabCorp Variant Classification Summary - May 2015. Collection method: clinical testing. Allele origin: germline.
Comment: Variant summary: CASR c.2147G>A (p.Arg716His) results in a non-conservative amino acid change located in the GPCR family 3, C-terminal domain (IPR017978) of the encoded protein sequence. Algorithms developed to predict the effect of missense changes on protein structure and function all suggest that this variant is likely to be disruptive. The variant allele was found at a frequency of 1.6e-05 in 251258 control chromosomes. The available data on variant occurrences in the general population are insufficient to allow any conclusion about variant significance. c.2147G>A has been observed in individual(s) affected with infantile hypercalcemia and the unaffected mother (Koltin_2011) and kidney failure (Mallawaarachchi_2024). These report(s) do not provide unequivocal conclusions about association of the variant with Autosomal Dominant Hypocalcemia. To our knowledge, no experimental evidence demonstrating an impact on protein function has been reported. The following publications have been ascertained in the context of this evaluation (PMID: 21414629, 38861662). ClinVar contains an entry for this variant (Variation ID: 410351). Based on the evidence outlined above, the variant was classified as uncertain significance.

Mayo Clinic Laboratories, Mayo Clinic
Classification: Uncertain significance. Last evaluated: 2025-07-09. Review status: criteria provided, single submitter. Criteria: ACMG Guidelines, 2015. Collection method: clinical testing. Allele origin: germline. Observed: 1 variant allele.
Comment: PP2, PP3_moderate, PM2_supporting

Labcorp Genetics (formerly Invitae), Labcorp
Classification: Likely benign for Familial hypocalciuric hypercalcemia; Autosomal dominant hypocalcemia 1. Last evaluated: 2025-06-10. Review status: criteria provided, single submitter. Criteria: Invitae Variant Classification Sherloc (09022015). Collection method: clinical testing. Allele origin: germline.

Ambry Genetics
Classification: Uncertain significance for Nephrolithiasis/nephrocalcinosis. Last evaluated: 2024-08-22. Review status: criteria provided, single submitter. Criteria: Ambry Variant Classification Scheme 2023. Collection method: clinical testing. Allele origin: germline.
Comment: The p.R716H variant (also known as c.2147G>A), located in coding exon 6 of the CASR gene, results from a G to A substitution at nucleotide position 2147. The arginine at codon 716 is replaced by histidine, an amino acid with highly similar properties. This variant was reported in an infant with mild hypercalcemia and in the unaffected mother (Koltin D et al. J. Pediatr., 2011 Aug;159:215-21.e1). This amino acid position is highly conserved in available vertebrate species. In addition, this alteration is predicted to be deleterious by in silico analysis. Based on the available evidence, the clinical significance of this variant remains unclear.

Blueprint Genetics
Classification: Uncertain significance. Last evaluated: 2024-06-28. Review status: criteria provided, single submitter. Criteria: ACMG Guidelines, 2015. Collection method: clinical testing. Allele origin: germline.

Fulgent Genetics
Classification: Uncertain significance for Familial hypocalciuric hypercalcemia 1; Neonatal severe primary hyperparathyroidism; Autosomal dominant hypocalcemia 1; Epilepsy, idiopathic generalized, susceptibility to, 8. Last evaluated: 2022-03-21. Review status: criteria provided, single submitter. Criteria: ACMG Guidelines, 2015. Collection method: clinical testing. Allele origin: unknown.

Illumina Laboratory Services, Illumina
Classification: Uncertain significance for Neonatal severe primary hyperparathyroidism. Last evaluated: 2017-04-28. Review status: criteria provided, single submitter. Criteria: ICSL Variant Classification Criteria 13 December 2019. Collection method: clinical testing. Allele origin: germline.

Illumina Laboratory Services, Illumina
Classification: Uncertain significance for Familial isolated hypoparathyroidism. Last evaluated: 2017-04-28. Review status: criteria provided, single submitter. Criteria: ICSL Variant Classification Criteria 13 December 2019. Collection method: clinical testing. Allele origin: germline.

Illumina Laboratory Services, Illumina
Classification: Uncertain significance for Autosomal dominant hypocalcemia 1. Last evaluated: 2017-04-28. Review status: criteria provided, single submitter. Criteria: ICSL Variant Classification Criteria 13 December 2019. Collection method: clinical testing. Allele origin: germline.
Comment: This variant was observed as part of a predisposition screen in an ostensibly healthy population. A literature search was performed for the gene, cDNA change, and amino acid change (where applicable). Publications were found based on this search. However, the evidence from the literature, in combination with allele frequency data from public databases where available, was not sufficient to rule this variant in or out of causing disease. Therefore, this variant is classified as a variant of unknown significance.

Illumina Laboratory Services, Illumina
Classification: Uncertain significance for Familial hypocalciuric hypercalcemia 1. Last evaluated: 2017-04-28. Review status: criteria provided, single submitter. Criteria: ICSL Variant Classification Criteria 13 December 2019. Collection method: clinical testing. Allele origin: germline.
Comment: the same text as in the submission from Illumina Laboratory Services, Illumina above.

Literature cited by the submitters: PubMed 21414629 (cited by 4 submitters); PubMed 38861662 (cited by Women's Health and Genetics/Laboratory Corporation of America, LabCorp and Mayo Clinic Laboratories, Mayo Clinic); PubMed 27957351 (cited by Mayo Clinic Laboratories, Mayo Clinic and Illumina Laboratory Services, Illumina); PubMed 30019023 (cited by Mayo Clinic Laboratories, Mayo Clinic); PubMed 38326620 (cited by Mayo Clinic Laboratories, Mayo Clinic).